The following is an entry in ClinVar:

ClinVar aggregate classification (germline): Uncertain significance (1 of 4 stars; one submission).

Conditions:
Hereditary cancer-predisposing syndrome. Also called: Hereditary Cancer Syndrome; Tumor predisposition; Hereditary neoplastic syndrome; Neoplastic Syndromes, Hereditary. Identifiers: Orphanet 140162, MedGen C0027672, MeSH D009386, MONDO:0015356.
Cardiovascular phenotype. Identifiers: MedGen CN230736.

Submission:

Ambry Genetics
Classification: Uncertain significance for Cardiovascular phenotype; Hereditary cancer-predisposing syndrome. Last evaluated: 2024-12-07. Review status: criteria provided, single submitter. Criteria: Ambry Variant Classification Scheme 2023. Collection method: clinical testing. Allele origin: germline.
Comment: The p.T1553S variant (also known as c.4658C>G), located in coding exon 34 of the NF1 gene, results from a C to G substitution at nucleotide position 4658. The threonine at codon 1553 is replaced by serine, an amino acid with similar properties. This amino acid position is conserved. In addition, the in silico prediction for this alteration is inconclusive. Based on the available evidence, the clinical significance of this variant remains unclear.

NM_001042492.3(NF1):c.4721C>G (p.Thr1574Ser)

Gene: NF1 (neurofibromin 1; plus strand). Cytogenetic location: 17q11.2.
Variant type: single nucleotide variant.
Coding change: c.4721C>G on transcript NM_001042492.3 (MANE Select); coding-DNA position 4721, C replaced by G.
Protein change: p.Thr1574Ser; replaces threonine 1574 with serine.
Molecular consequence: missense variant.
Genome position (GRCh38, 1-based): chr17:31,261,854, C>G. VCF-style: chr17-31261854-C-G. GRCh37 (hg19) VCF-style: chr17-29588872-C-G.
Other names: c.4658C>G, p.Thr1553Ser (NM_000267.4); short protein forms T1553S, T1574S.
Identifiers: ClinVar variation 3404953 (VCV003404953.1).